The following is an entry in ClinVar:

NM_001142800.2(EYS):c.5927+10T>C

Gene: EYS (EGF-like photoreceptor maintenance factor; minus strand). Cytogenetic location: 6q12.
Variant type: single nucleotide variant.
Coding change: c.5927+10T>C on transcript NM_001142800.2 (MANE Select); 10 bases into the intron after coding-DNA position 5927, T replaced by C.
Molecular consequence: intron variant.
Genome position (GRCh38, 1-based): chr6:64,436,164, A>G on the plus strand (T>C on the coding strand, the complement: EYS is on the minus strand). VCF-style: chr6-64436164-A-G. GRCh37 (hg19) VCF-style: chr6-65146057-A-G.
Other names: c.5927+10T>C (NM_001292009.2, NM_001142800.1).
Identifiers: ClinVar variation 1121085 (VCV001121085.10), dbSNP rs778163566, ClinGen allele CA3876965.

ClinVar aggregate classification (germline): Likely benign. Review status: criteria provided, multiple submitters, no conflicts (2 of 4 stars). 2 submissions from 2 submitters: Likely benign (2). Last evaluated 2026-06-02.

Conditions:
EYS-related disorder. Also called: EYS-related condition.

Allele frequency attached by ClinVar (database versions not stated): gnomAD exomes 0.00001 and 0.00002; ExAC 0.00006; gnomAD 0.00013 and 0.00014; TOPMed 0.00014; 1000 Genomes Project 30x 0.00031.
gnomAD v4.1: 33 of 1,442,982 alleles (0.0023%); highest among the groups gnomAD compares: African/African-American, 0.044%; no homozygotes.

Submissions (2):

PreventionGenetics, part of Exact Sciences
Classification: Likely benign for EYS-related condition. Last evaluated: 2026-06-02. Review status: criteria provided, single submitter. Criteria: ACMG Guidelines, 2015. Collection method: clinical testing. Allele origin: germline.
Comment: This variant is classified as likely benign based on ACMG/AMP sequence variant interpretation guidelines (Richards et al. 2015 PMID: 25741868, with internal and published modifications).

Labcorp Genetics (formerly Invitae), Labcorp
Classification: Likely benign. Last evaluated: 2025-08-19. Review status: criteria provided, single submitter. Criteria: Invitae Variant Classification Sherloc (09022015). Collection method: clinical testing. Allele origin: germline.